The following is an entry in ClinVar:

NM_004614.5(TK2):c.450-11T>G

Gene: TK2 (thymidine kinase 2; minus strand). Cytogenetic location: 16q21.
Variant type: single nucleotide variant.
Coding change: c.450-11T>G on transcript NM_004614.5 (MANE Select); 11 bases into the intron before coding-DNA position 450, T replaced by G.
Molecular consequence: intron variant.
Genome position (GRCh38, 1-based): chr16:66,517,888, A>C on the plus strand (T>G on the coding strand, the complement: TK2 is on the minus strand). VCF-style: chr16-66517888-A-C. GRCh37 (hg19) VCF-style: chr16-66551791-A-C.
Other names: c.357-4077T>G (NM_001271935.1); c.357-11T>G (NM_001172643.1); c.375-11T>G (NM_001172644.2); c.396-11T>G (NM_001172645.2); c.303-11T>G (NM_001271934.2); c.159-11T>G (NM_001272050.2).
Identifiers: ClinVar variation 2006777 (VCV002006777.4), dbSNP rs2507091830, ClinGen allele CA2580091779.
Genomic context (GRCh38, chr16:66,517,888, plus strand): 5'-AGTCAAACCATTCCGACAGAACTACATAGTCCACTTCTGGCATCTTCCCACTGCAATGAG[A>C]GTTGTAAGGGCTTATTCACCTAAGAGAAAACTTCTGGGCTATGCAATTCCCCCAAAAGGA-3'

ClinVar aggregate classification (germline): Uncertain significance (1 of 4 stars; one submission).

Submission:

Labcorp Genetics (formerly Invitae), Labcorp
Classification: Uncertain significance. Last evaluated: 2022-11-22. Review status: criteria provided, single submitter. Criteria: Invitae Variant Classification Sherloc (09022015). Collection method: clinical testing. Allele origin: germline.
Comment: In summary, the available evidence is currently insufficient to determine the role of this variant in disease. Therefore, it has been classified as a Variant of Uncertain Significance. Algorithms developed to predict the effect of sequence changes on RNA splicing suggest that this variant may disrupt the consensus splice site. This variant has not been reported in the literature in individuals affected with TK2-related conditions. This variant is not present in population databases (gnomAD no frequency). This sequence change falls in intron 6 of the TK2 gene. It does not directly change the encoded amino acid sequence of the TK2 protein.